The following is an entry in ClinVar:

NM_014714.4(IFT140):c.2896G>A (p.Glu966Lys)

Genes: IFT140 (intraflagellar transport 140; minus strand), LOC126862260 (CDK7 strongly-dependent group 2 enhancer GRCh37_chr16:1574508-1575707; plus strand). Cytogenetic location: 16p13.3.
Variant type: single nucleotide variant.
Coding change: c.2896G>A on transcript NM_014714.4 (MANE Select); coding-DNA position 2896, G replaced by A.
Protein change: p.Glu966Lys; replaces glutamic acid 966 with lysine.
Molecular consequence: missense variant.
Genome position (GRCh38, 1-based): chr16:1,524,885, C>T on the plus strand (G>A on the coding strand, the complement: IFT140 is on the minus strand). VCF-style: chr16-1524885-C-T. GRCh37 (hg19) VCF-style: chr16-1574886-C-T.
Other names: short protein forms E966K.
Identifiers: ClinVar variation 867101 (VCV000867101.6), dbSNP rs759898401, ClinGen allele CA7813428.

ClinVar aggregate classification (germline): Conflicting classifications of pathogenicity. Review status: criteria provided, conflicting classifications (1 of 4 stars). 3 submissions from 3 submitters: Likely pathogenic (1); Uncertain significance (2). Last evaluated 2026-01-06.

Conditions:
Inborn genetic diseases. Identifiers: MedGen C0950123, MeSH D030342.
IFT140-related disorders.
Saldino-Mainzer syndrome (SRTD9). Also called: Renal dysplasia, retinal pigmentary dystrophy, cerebellar ataxia and skeletal dysplasia; SHORT-RIB THORACIC DYSPLASIA 9 WITHOUT POLYDACTYLY; CONORENAL SYNDROME; short-rib thoracic dysplasia 9 with or without polydactyly. Identifiers: Orphanet 140969, MedGen C1849437, MONDO:0009964, OMIM 266920.

Allele frequency attached by ClinVar (database versions not stated): gnomAD exomes below 0.00001; ExAC 0.00001; TOPMed 0.00001.

Submissions (3):

Ambry Genetics
Classification: Uncertain significance for Inborn genetic diseases. Last evaluated: 2026-01-06. Review status: criteria provided, single submitter. Criteria: Ambry Variant Classification Scheme 2023. Collection method: clinical testing. Allele origin: germline.
Comment: The c.2896G>A (p.E966K) alteration is located in exon 23 (coding exon 21) of the IFT140 gene. This alteration results from a G to A substitution at nucleotide position 2896, causing the glutamic acid (E) at amino acid position 966 to be replaced by a lysine (K). Based on data from gnomAD, this allele has an overall frequency of <0.001% (1/247016) total alleles studied. The highest observed frequency was 0.001% (1/111286) of European (non-Finnish) alleles. This amino acid position is highly conserved in available vertebrate species. This alteration is predicted to be deleterious by in silico analysis. Based on insufficient or conflicting evidence, the clinical significance of this alteration remains unclear.

Labcorp Genetics (formerly Invitae), Labcorp
Classification: Uncertain significance for Saldino-Mainzer syndrome. Last evaluated: 2023-07-14. Review status: criteria provided, single submitter. Criteria: Invitae Variant Classification Sherloc (09022015). Collection method: clinical testing. Allele origin: germline.
Comment: In summary, the available evidence is currently insufficient to determine the role of this variant in disease. Therefore, it has been classified as a Variant of Uncertain Significance. Advanced modeling of protein sequence and biophysical properties (such as structural, functional, and spatial information, amino acid conservation, physicochemical variation, residue mobility, and thermodynamic stability) performed at Invitae indicates that this missense variant is expected to disrupt IFT140 protein function. ClinVar contains an entry for this variant (Variation ID: 867101). This missense change has been observed in individual(s) with inherited retinal degenerations (PMID: 32037395). The frequency data for this variant in the population databases is considered unreliable, as metrics indicate poor data quality at this position in the gnomAD database. This sequence change replaces glutamic acid, which is acidic and polar, with lysine, which is basic and polar, at codon 966 of the IFT140 protein (p.Glu966Lys).

Blueprint Genetics
Classification: Likely pathogenic for IFT140-related disorders. Last evaluated: 2022-08-09. Review status: criteria provided, single submitter. Criteria: ACMG Guidelines, 2015. Collection method: clinical testing. Allele origin: germline. Affected: yes. Observed: 2 variant alleles.

Literature cited by the submitters: PubMed 32037395 (cited by Labcorp Genetics (formerly Invitae), Labcorp).